The following is an entry in ClinVar:

ClinVar aggregate classification (germline): Pathogenic (1 of 4 stars; one submission).

Conditions:
Familial cancer of breast. Also called: BREAST CANCER, FAMILIAL; hereditary breast carcinoma; Hereditary breast cancer. Identifiers: Orphanet 227535, MedGen C0346153, MONDO:0016419, OMIM 114480. Disease mechanism: loss of function.
Fanconi anemia complementation group J. Also called: BRIP1-Related Fanconi Anemia. Identifiers: Orphanet 84, MedGen C1836860, MONDO:0012187, OMIM 609054.

Submission:

Labcorp Genetics (formerly Invitae), Labcorp
Classification: Pathogenic for Familial cancer of breast; Fanconi anemia complementation group J. Last evaluated: 2023-11-01. Review status: criteria provided, single submitter. Criteria: Invitae Variant Classification Sherloc (09022015). Collection method: clinical testing. Allele origin: unknown.
Comment: This variant is a gross deletion of the genomic region encompassing exon(s) 17-20 of the BRIP1 gene, which includes the termination codon. This deletion extends beyond the assayed region for this gene and therefore may encompass additional genes. While this deletion is not anticipated to lead to nonsense mediated decay, it is expected to alter mRNA translation or result in a truncated protein product. This variant has not been reported in the literature in individuals affected with BRIP1-related conditions. This variant disrupts the TopBP1-binding region of the BRIP1 protein, which plays a critical role in RPA chromatin loading and the activation of the replication checkpoint in response to DNA damage (PMID: 20159562, 21127055). While functional studies have not been performed to directly test the effect of this variant on BRIP1 protein function, this suggests that disruption of this region of the protein is causative of disease. This variant disrupts a region of the BRIP1 protein in which other variant(s) (p.Lys998Glufs*60) have been determined to be pathogenic (PMID: 18628483, 26921362, 28423363; Invitae). This suggests that this is a clinically significant region of the protein, and that variants that disrupt it are likely to be disease-causing. For these reasons, this variant has been classified as Pathogenic.

Literature cited by the submitters: PubMed 20159562; PubMed 21127055; PubMed 18628483; PubMed 26921362; PubMed 28423363.

NC_000017.10:g.(?_59722701)_(59807862_?)del

Gene: BRIP1 (BRCA1 interacting DNA helicase 1; minus strand). Cytogenetic location: 17q23.2.
Variant type: Deletion.
Identifiers: ClinVar variation 3242958 (VCV003242958.1).